The following is an entry in ClinVar:

ClinVar aggregate classification (germline): Uncertain significance (1 of 4 stars; one submission).

Conditions:
Joubert syndrome. Also called: CEREBELLOPARENCHYMAL DISORDER IV; JOUBERT-BOLTSHAUSER SYNDROME; Familial aplasia of the vermis. Identifiers: Orphanet 475, MedGen C5979921, MONDO:0018772.
Meckel-Gruber syndrome. Also called: DYSENCEPHALIA SPLANCHNOCYSTICA; GRUBER SYNDROME; Dysencephalia splachnocystica. Identifiers: Orphanet 564, MedGen C0265215, MONDO:0018921.

Submission:

Labcorp Genetics (formerly Invitae), Labcorp
Classification: Uncertain significance for Joubert syndrome; Meckel-Gruber syndrome. Last evaluated: 2024-02-23. Review status: criteria provided, single submitter. Criteria: Invitae Variant Classification Sherloc (09022015). Collection method: clinical testing. Allele origin: germline.
Comment: This sequence change replaces alanine, which is neutral and non-polar, with valine, which is neutral and non-polar, at codon 1282 of the RPGRIP1L protein (p.Ala1282Val). This variant is not present in population databases (gnomAD no frequency). This variant has not been reported in the literature in individuals affected with RPGRIP1L-related conditions. ClinVar contains an entry for this variant (Variation ID: 1372804). Algorithms developed to predict the effect of missense changes on protein structure and function output the following: SIFT: "Not Available"; PolyPhen-2: "Benign"; Align-GVGD: "Not Available". The valine amino acid residue is found in multiple mammalian species, which suggests that this missense change does not adversely affect protein function. In summary, the available evidence is currently insufficient to determine the role of this variant in disease. Therefore, it has been classified as a Variant of Uncertain Significance.

NM_015272.5(RPGRIP1L):c.3845C>T (p.Ala1282Val)

Gene: RPGRIP1L (RPGRIP1 like; minus strand). Cytogenetic location: 16q12.2.
Variant type: single nucleotide variant.
Coding change: c.3845C>T on transcript NM_015272.5 (MANE Select); coding-DNA position 3845, C replaced by T.
Protein change: p.Ala1282Val; replaces alanine 1282 with valine.
Molecular consequence: missense variant.
Genome position (GRCh38, 1-based): chr16:53,602,179, G>A on the plus strand (C>T on the coding strand, the complement: RPGRIP1L is on the minus strand). VCF-style: chr16-53602179-G-A. GRCh37 (hg19) VCF-style: chr16-53636091-G-A.
Other names: c.3605C>T, p.Ala1202Val (NM_001127897.4); c.3707C>T, p.Ala1236Val (NM_001308334.3); c.3743C>T, p.Ala1248Val (NM_001330538.2); short protein forms A1282V, A1202V, A1236V, A1248V.
Identifiers: ClinVar variation 1372804 (VCV001372804.5), dbSNP rs2150909524, ClinGen allele CA395919100.